The following is an entry in ClinVar:

ClinVar aggregate classification (germline): Likely benign (1 of 4 stars; one submission).

Conditions:
PLXNA1-related disorder. Also called: PLXNA1-related condition.

Submission:

PreventionGenetics, part of Exact Sciences
Classification: Likely benign for PLXNA1-related condition. Last evaluated: 2025-11-10. Review status: criteria provided, single submitter. Criteria: ACMG Guidelines, 2015. Collection method: clinical testing. Allele origin: germline.
Comment: This variant is classified as likely benign based on ACMG/AMP sequence variant interpretation guidelines (Richards et al. 2015 PMID: 25741868, with internal and published modifications).

NM_032242.4(PLXNA1):c.3003C>T (p.Cys1001=)

Genes: PLXNA1 (plexin A1; plus strand), LOC129937476 (ATAC-STARR-seq lymphoblastoid active region 20450; plus strand). Cytogenetic location: 3q21.3.
Variant type: single nucleotide variant.
Coding change: c.3003C>T on transcript NM_032242.4 (MANE Select); coding-DNA position 3003, C replaced by T.
Protein change: p.Cys1001=; no amino-acid change (cysteine 1001 retained).
Molecular consequence: synonymous variant.
Genome position (GRCh38, 1-based): chr3:127,015,309, C>T. VCF-style: chr3-127015309-C-T. GRCh37 (hg19) VCF-style: chr3-126734152-C-T.
Identifiers: ClinVar variation 4984259 (VCV004984259.1).